The following is an entry in ClinVar:

ClinVar aggregate classification (germline): Uncertain significance. Review status: criteria provided, single submitter (1 of 4 stars). 2 submissions from 2 submitters: Uncertain significance (1). 1 of the submissions does not count toward it. Last evaluated 2022-02-24.

Conditions:
Lysinuric protein intolerance (LPI). Identifiers: Orphanet 470, MedGen C0268647, MONDO:0009109, OMIM 222700.

Submissions (2):

Labcorp Genetics (formerly Invitae), Labcorp
Classification: Uncertain significance for Lysinuric protein intolerance. Last evaluated: 2022-02-24. Review status: criteria provided, single submitter. Criteria: Invitae Variant Classification Sherloc (09022015). Collection method: clinical testing. Allele origin: germline.
Comment: In summary, the available evidence is currently insufficient to determine the role of this variant in disease. Therefore, it has been classified as a Variant of Uncertain Significance. Algorithms developed to predict the effect of missense changes on protein structure and function are either unavailable or do not agree on the potential impact of this missense change (SIFT: "Deleterious"; PolyPhen-2: "Benign"; Align-GVGD: "Class C0"). This variant has not been reported in the literature in individuals affected with SLC7A7-related conditions. This variant is not present in population databases (gnomAD no frequency). This sequence change replaces isoleucine, which is neutral and non-polar, with threonine, which is neutral and polar, at codon 64 of the SLC7A7 protein (p.Ile64Thr).

Natera, Inc.
Classification: Uncertain significance for Lysinuric protein intolerance. Last evaluated: 2025-03-10. Review status: no assertion criteria provided. Collection method: clinical testing. Allele origin: germline. Not counted in ClinVar's aggregate classification.

NM_003982.4(SLC7A7):c.191T>C (p.Ile64Thr)

Gene: SLC7A7 (solute carrier family 7 member 7; minus strand). Cytogenetic location: 14q11.2.
Variant type: single nucleotide variant.
Coding change: c.191T>C on transcript NM_003982.4 (MANE Select); coding-DNA position 191, T replaced by C.
Protein change: p.Ile64Thr; replaces isoleucine 64 with threonine.
Molecular consequence: missense variant.
Genome position (GRCh38, 1-based): chr14:22,813,208, A>G on the plus strand (T>C on the coding strand, the complement: SLC7A7 is on the minus strand). VCF-style: chr14-22813208-A-G. GRCh37 (hg19) VCF-style: chr14-23282417-A-G.
Other names: c.191T>C (NM_001126106.2); c.191T>C, p.Ile64Thr (NM_001126105.3, NM_001126106.4); short protein forms I64T.
Identifiers: ClinVar variation 1483662 (VCV001483662.9), dbSNP rs2138663343, ClinGen allele CA388922679.